The following is an entry in ClinVar:

NM_001367624.2(ZNF469):c.8053C>T (p.Pro2685Ser)

Gene: ZNF469 (zinc finger protein 469; plus strand). Cytogenetic location: 16q24.2.
Variant type: single nucleotide variant.
Coding change: c.8053C>T on transcript NM_001367624.2 (MANE Select); coding-DNA position 8053, C replaced by T.
Protein change: p.Pro2685Ser; replaces proline 2685 with serine.
Molecular consequence: missense variant.
Genome position (GRCh38, 1-based): chr16:88,435,523, C>T. VCF-style: chr16-88435523-C-T. GRCh37 (hg19) VCF-style: chr16-88501931-C-T.
Other names: short protein forms P2685S.
Identifiers: ClinVar variation 1397489 (VCV001397489.5), dbSNP rs1291713710, ClinGen allele CA397115752.
Genomic context (GRCh38, chr16:88,435,523, plus strand): 5'-TCCCCTGCAATGGCCAGTTACGCAGCCTCTCCGAGCCACTGCCTCTCTGTGGAAGGAGGG[C>T]CTGAGGCTGACGGGGAGCAGCCGCCTCGCTTGGCCACTCTGGGACCTGGGGTGATGGAGG-3'
Protein context (NP_001354553.1, residues 2675-2695): PSHCLSVEGG[Pro2685Ser]EADGEQPPRL

ClinVar aggregate classification (germline): Uncertain significance (1 of 4 stars; one submission).

Allele frequency attached by ClinVar (database versions not stated): gnomAD exomes 0.00001.
gnomAD v4.1: 6 of 1,549,396 alleles (0.00039%); highest among the groups gnomAD compares: Non-Finnish European, 0.00052%; no homozygotes.

Submission:

Labcorp Genetics (formerly Invitae), Labcorp
Classification: Uncertain significance. Last evaluated: 2021-09-01. Review status: criteria provided, single submitter. Criteria: Invitae Variant Classification Sherloc (09022015). Collection method: clinical testing. Allele origin: germline.
Comment: This sequence change replaces proline with serine at codon 2657 of the ZNF469 protein (p.Pro2657Ser). The proline residue is weakly conserved and there is a moderate physicochemical difference between proline and serine. This variant is not present in population databases (ExAC no frequency). This variant has not been reported in the literature in individuals affected with ZNF469-related conditions. Algorithms developed to predict the effect of missense changes on protein structure and function (SIFT, PolyPhen-2, Align-GVGD) all suggest that this variant is likely to be tolerated. In summary, the available evidence is currently insufficient to determine the role of this variant in disease. Therefore, it has been classified as a Variant of Uncertain Significance.